The following is an entry in ClinVar:

ClinVar aggregate classification (germline): Pathogenic (1 of 4 stars; one submission).

Submission:

Labcorp Genetics (formerly Invitae), Labcorp
Classification: Pathogenic. Last evaluated: 2023-06-09. Review status: criteria provided, single submitter. Criteria: Invitae Variant Classification Sherloc (09022015). Collection method: clinical testing. Allele origin: germline.
Comment: For these reasons, this variant has been classified as Pathogenic. A similar copy number variant has been observed in individual(s) with clinical features of retinitis pigmentosa (Invitae). This variant is a gross deletion of the genomic region encompassing exon(s) 33-36 of the ADGRV1 gene. This deletion is out-of-frame, and is expected to create a premature termination codon and result in an absent or disrupted protein product. Loss-of-function variants in ADGRV1 are known to be pathogenic (PMID: 19357117, 22135276, 22147658, 26226137, 30718709, 31047384, 32467589).

Literature cited by the submitters: PubMed 19357117; PubMed 22135276; PubMed 22147658; PubMed 26226137; PubMed 30718709; PubMed 31047384; PubMed 32467589.

NC_000005.9:g.(?_89989687)_(90000325_?)del

Gene: ADGRV1 (adhesion G protein-coupled receptor V1; plus strand). Cytogenetic location: 5q14.3.
Variant type: Deletion.
Identifiers: ClinVar variation 1456898 (VCV001456898.4).